The following is an entry in ClinVar:

NM_001042424.3(NSD2):c.3710A>G (p.Gln1237Arg)

Gene: NSD2 (nuclear receptor binding SET domain protein 2; plus strand). Cytogenetic location: 4p16.3.
Variant type: single nucleotide variant.
Coding change: c.3710A>G on transcript NM_001042424.3 (MANE Select); coding-DNA position 3710, A replaced by G.
Protein change: p.Gln1237Arg; replaces glutamine 1237 with arginine.
Molecular consequence: missense variant.
Genome position (GRCh38, 1-based): chr4:1,976,563, A>G. VCF-style: chr4-1976563-A-G. GRCh37 (hg19) VCF-style: chr4-1978290-A-G.
Other names: c.3710A>G (NM_133330.2); c.3710A>G, p.Gln1237Arg (NM_133330.3, NM_133331.3, NM_133335.4); short protein forms Q1237R.
Identifiers: ClinVar variation 1680217 (VCV001680217.9), dbSNP rs763391838, ClinGen allele CA2812848.

ClinVar aggregate classification (germline): Uncertain significance. Review status: criteria provided, multiple submitters, no conflicts (2 of 4 stars). 2 submissions from 2 submitters: Uncertain significance (2). Last evaluated 2025-10-24.

Conditions:
Inborn genetic diseases. Identifiers: MedGen C0950123, MeSH D030342.

Allele frequency attached by ClinVar (database versions not stated): gnomAD exomes 0.00001; TOPMed 0.00001; ExAC 0.00002.
gnomAD v4.1: 3 of 1,613,806 alleles (0.00019%); highest among the groups gnomAD compares: Admixed American, 0.005%; no homozygotes.

Submissions (2):

Ambry Genetics
Classification: Uncertain significance for Inborn genetic diseases. Last evaluated: 2025-10-24. Review status: criteria provided, single submitter. Criteria: Ambry Variant Classification Scheme 2023. Collection method: clinical testing. Allele origin: germline.

Labcorp Genetics (formerly Invitae), Labcorp
Classification: Uncertain significance. Last evaluated: 2021-07-28. Review status: criteria provided, single submitter. Criteria: Invitae Variant Classification Sherloc (09022015). Collection method: clinical testing. Allele origin: germline.
Comment: This sequence change replaces glutamine with arginine at codon 1237 of the WHSC1 protein (p.Gln1237Arg). The glutamine residue is weakly conserved and there is a small physicochemical difference between glutamine and arginine. In summary, the available evidence is currently insufficient to determine the role of this variant in disease. Therefore, it has been classified as a Variant of Uncertain Significance. Algorithms developed to predict the effect of missense changes on protein structure and function output the following: SIFT: "Tolerated"; PolyPhen-2: "Benign"; Align-GVGD: "Class C0". The arginine amino acid residue is found in multiple mammalian species, suggesting that this missense change does not adversely affect protein function. These predictions have not been confirmed by published functional studies and their clinical significance is uncertain. This variant has not been reported in the literature in individuals with WHSC1-related conditions. This variant is present in population databases (rs763391838, ExAC 0.02%).